The following is an entry in ClinVar:

NM_002979.5(SCP2):c.839T>C (p.Met280Thr)

Gene: SCP2 (sterol carrier protein 2; plus strand). Cytogenetic location: 1p32.3.
Variant type: single nucleotide variant.
Coding change: c.839T>C on transcript NM_002979.5 (MANE Select); coding-DNA position 839, T replaced by C.
Protein change: p.Met280Thr; replaces methionine 280 with threonine.
Molecular consequence: missense variant.
Genome position (GRCh38, 1-based): chr1:52,980,409, T>C. VCF-style: chr1-52980409-T-C. GRCh37 (hg19) VCF-style: chr1-53446081-T-C.
Other names: c.707T>C, p.Met236Thr (NM_001007098.3, NM_001193600.2); c.596T>C, p.Met199Thr (NM_001193617.2); c.839T>C, p.Met280Thr (NM_001330587.2); c.767T>C, p.Met256Thr (NM_001193599.2); short protein forms M199T, M236T, M256T, M280T.
Identifiers: ClinVar variation 1520650 (VCV001520650.5), dbSNP rs2150173524, ClinGen allele CA340381739.

ClinVar aggregate classification (germline): Uncertain significance (1 of 4 stars; one submission).

Submission:

Labcorp Genetics (formerly Invitae), Labcorp
Classification: Uncertain significance. Last evaluated: 2022-08-16. Review status: criteria provided, single submitter. Criteria: Invitae Variant Classification Sherloc (09022015). Collection method: clinical testing. Allele origin: germline.
Comment: This sequence change replaces methionine, which is neutral and non-polar, with threonine, which is neutral and polar, at codon 280 of the SCP2 protein (p.Met280Thr). This variant is not present in population databases (gnomAD no frequency). This variant has not been reported in the literature in individuals affected with SCP2-related conditions. ClinVar contains an entry for this variant (Variation ID: 1520650). Algorithms developed to predict the effect of missense changes on protein structure and function are either unavailable or do not agree on the potential impact of this missense change (SIFT: "Deleterious"; PolyPhen-2: "Benign"; Align-GVGD: "Class C65"). In summary, the available evidence is currently insufficient to determine the role of this variant in disease. Therefore, it has been classified as a Variant of Uncertain Significance.